The following is an entry in ClinVar:

NC_000017.10:g.(?_10590024)_(10590179_?)del

Gene: SCO1 (synthesis of cytochrome C oxidase 1; minus strand). Cytogenetic location: 17p13.1.
Variant type: Deletion.
Identifiers: ClinVar variation 1374921 (VCV001374921.7).

ClinVar aggregate classification (germline): Uncertain significance (1 of 4 stars; one submission).

Submission:

Labcorp Genetics (formerly Invitae), Labcorp
Classification: Uncertain significance. Last evaluated: 2021-12-03. Review status: criteria provided, single submitter. Criteria: Invitae Variant Classification Sherloc (09022015). Collection method: clinical testing. Allele origin: germline.
Comment: In summary, the available evidence is currently insufficient to determine the role of this variant in disease. Therefore, it has been classified as a Variant of Uncertain Significance. Experimental studies and prediction algorithms are not available or were not evaluated, and the functional significance of this variant is currently unknown. This variant has not been reported in the literature in individuals affected with SCO1-related conditions. This variant is a gross deletion of the genomic region encompassing exon(s) 5 of the SCO1 gene. While this deletion is not anticipated to lead to nonsense mediated decay, it is expected to disrupt the C-terminus of the protein.